The following is an entry in ClinVar:

NM_001029883.3(PCARE):c.*2670T>C

Gene: PCARE (photoreceptor cilium actin regulator; minus strand). Cytogenetic location: 2p23.2.
Variant type: single nucleotide variant.
Coding change: c.*2670T>C on transcript NM_001029883.3 (MANE Select); 2670 bases downstream of the stop codon, T replaced by C.
Molecular consequence: 3 prime UTR variant.
Genome position (GRCh38, 1-based): chr2:29,062,199, A>G on the plus strand (T>C on the coding strand, the complement: PCARE is on the minus strand). VCF-style: chr2-29062199-A-G. GRCh37 (hg19) VCF-style: chr2-29285065-A-G.
Identifiers: ClinVar variation 335576 (VCV000335576.6), dbSNP rs10185075, ClinGen allele CA10613548.

ClinVar aggregate classification (germline): Benign. Review status: criteria provided, multiple submitters, no conflicts (2 of 4 stars). 2 submissions from 2 submitters: Benign (2). Last evaluated 2018-01-13.

Conditions:
Retinitis pigmentosa (RP). Identifiers: Orphanet 791, MedGen C0035334, MeSH D012174, MONDO:0019200, OMIM 268000. Inheritance: Autosomal dominant, autosomal recessive and X linked inheritance.

Allele frequency attached by ClinVar (database versions not stated): 1000 Genomes Project 30x 0.81059; 1000 Genomes Project 0.81569; TOPMed 0.82566; gnomAD 0.84450; gnomAD exomes 0.93182.

Submissions (2):

Illumina Laboratory Services, Illumina
Classification: Benign for Retinitis pigmentosa. Last evaluated: 2018-01-13. Review status: criteria provided, single submitter. Criteria: ICSL Variant Classification Criteria 13 December 2019. Collection method: clinical testing. Allele origin: germline.
Comment: This variant was observed in the ICSL laboratory as part of a predisposition screen in an ostensibly healthy population. It had not been previously curated by ICSL or reported in the Human Gene Mutation Database (HGMD: prior to June 1st, 2018), and was therefore a candidate for classification through an automated scoring system. Utilizing variant allele frequency, disease prevalence and penetrance estimates, and inheritance mode, an automated score was calculated to assess if this variant is too frequent to cause the disease. Based on the score and internal cut-off values, a variant classified as benign is not then subjected to further curation. The score for this variant resulted in a classification of benign for this disease.

Breakthrough Genomics
Classification: Benign. Review status: criteria provided, single submitter. Criteria: ACMG Guidelines, 2015. Collection method: not provided. Allele origin: germline. Inheritance: Unknown mechanism. Affected: yes.